The following is an entry in ClinVar:

ClinVar aggregate classification (germline): Likely benign. Review status: criteria provided, multiple submitters, no conflicts (2 of 4 stars). 3 submissions from 3 submitters: Likely benign (2). 1 of the submissions does not count toward it. Last evaluated 2025-11-18.

Conditions:
Cystic fibrosis (CF). Also called: MUCOVISCIDOSIS. Identifiers: Orphanet 586, MedGen C0010674, MONDO:0009061, OMIM 219700. Disease mechanism: loss of function.

Allele frequency attached by ClinVar (database versions not stated): ExAC 0.00001; gnomAD 0.00002; ESP Exome Variant Server 0.00015; gnomAD exomes 0.00002; TOPMed 0.00002.
gnomAD v4.1: 30 of 1,612,434 alleles (0.0019%); highest among the groups gnomAD compares: Non-Finnish European, 0.0025%; no homozygotes.

Submissions (3):

Labcorp Genetics (formerly Invitae), Labcorp
Classification: Likely benign for Cystic fibrosis. Last evaluated: 2025-11-18. Review status: criteria provided, single submitter. Criteria: Invitae Variant Classification Sherloc (09022015). Collection method: clinical testing. Allele origin: germline.

Women's Health and Genetics/Laboratory Corporation of America, LabCorp
Classification: Likely benign. Last evaluated: 2025-01-07. Review status: criteria provided, single submitter. Criteria: LabCorp Variant Classification Summary - May 2015. Collection method: clinical testing. Allele origin: germline.
Comment: Variant summary: CFTR c.2908+19G>C alters a non-conserved nucleotide located at a position not widely known to affect splicing. Consensus agreement among computation tools predict no significant impact on normal splicing. However, these predictions have yet to be confirmed by functional studies. The variant allele was found at a frequency of 2e-05 in 250106 control chromosomes. The available data on variant occurrences in the general population are insufficient to allow any conclusion about variant significance. c.2908+19G>C has been reported in the literature in individuals affected with CAVD, without strong evidence for causality (Steiner_2011, Gallati_2009). These report(s) do not provide unequivocal conclusions about association of the variant with Cystic Fibrosis. To our knowledge, no experimental evidence demonstrating an impact on protein function has been reported. The following publications have been ascertained in the context of this evaluation (PMID: 20021716, 21520337, 26277102). ClinVar contains an entry for this variant (Variation ID: 550805). Based on the evidence outlined above, the variant was classified as likely benign.

Counsyl
Classification: Uncertain significance for Cystic fibrosis. Last evaluated: 2017-02-21. Review status: no assertion criteria provided. Collection method: clinical testing. Allele origin: unknown. Not counted in ClinVar's aggregate classification.

Literature cited by the submitters: PubMed 20021716 (cited by Women's Health and Genetics/Laboratory Corporation of America, LabCorp); PubMed 21520337 (cited by Women's Health and Genetics/Laboratory Corporation of America, LabCorp); PubMed 26277102 (cited by Women's Health and Genetics/Laboratory Corporation of America, LabCorp).

NM_000492.4(CFTR):c.2908+19G>C

Gene: CFTR (CF transmembrane conductance regulator; plus strand). Cytogenetic location: 7q31.2.
Variant type: single nucleotide variant.
Coding change: c.2908+19G>C on transcript NM_000492.4 (MANE Select); 19 bases into the intron after coding-DNA position 2908, G replaced by C.
Molecular consequence: intron variant.
Genome position (GRCh38, 1-based): chr7:117,603,801, G>C. VCF-style: chr7-117603801-G-C. GRCh37 (hg19) VCF-style: chr7-117243855-G-C.
Identifiers: ClinVar variation 550805 (VCV000550805.15), dbSNP rs370683572, ClinGen allele CA4451314.